The following is an entry in ClinVar:

NM_000218.3(KCNQ1):c.780+1G>A

Gene: KCNQ1 (potassium voltage-gated channel subfamily Q member 1; plus strand). Cytogenetic location: 11p15.5.
Variant type: single nucleotide variant.
Coding change: c.780+1G>A on transcript NM_000218.3 (MANE Select); the canonical splice donor site of the intron after coding-DNA position 780, G replaced by A.
Molecular consequence: splice donor variant. On other transcripts: intron variant (1).
Genome position (GRCh38, 1-based): chr11:2,572,110, G>A. VCF-style: chr11-2572110-G-A. GRCh37 (hg19) VCF-style: chr11-2593340-G-A.
Other names: c.510+1G>A (NM_001406837.1); c.780+1G>A (NM_001406836.1); c.478-11325G>A (NM_001406838.1); c.399+1G>A (NM_181798.2).
Identifiers: ClinVar variation 1067403 (VCV001067403.8), dbSNP rs1564820836, ClinGen allele CA379131122.

ClinVar aggregate classification (germline): Likely pathogenic (1 of 4 stars; one submission).

Conditions:
Long QT syndrome (LQTS). Identifiers: MedGen C0023976, MeSH D008133, MONDO:0002442. Disease mechanism: loss of function. Inheritance: Various modes of inheritance.

Allele frequency attached by ClinVar (database versions not stated): gnomAD exomes below 0.00001.
gnomAD v4.1: 1 of 1,611,252 alleles (0.000062%); highest among the groups gnomAD compares: East Asian, 0.0022%; no homozygotes.

Submission:

Labcorp Genetics (formerly Invitae), Labcorp
Classification: Likely pathogenic for Long QT syndrome. Last evaluated: 2020-11-13. Review status: criteria provided, single submitter. Criteria: Invitae Variant Classification Sherloc (09022015). Collection method: clinical testing. Allele origin: germline.
Comment: This sequence change affects a donor splice site in intron 5 of the KCNQ1 gene. It is expected to disrupt RNA splicing and likely results in an absent or disrupted protein product. This variant is not present in population databases (ExAC no frequency). This variant has not been reported in the literature in individuals with KCNQ1-related conditions. Algorithms developed to predict the effect of sequence changes on RNA splicing suggest that this variant may disrupt the consensus splice site, but this prediction has not been confirmed by published transcriptional studies. Donor and acceptor splice site variants typically lead to a loss of protein function (PMID: 16199547), and loss-of-function variants in KCNQ1 are known to be pathogenic (PMID: 9323054, 19862833). In summary, the currently available evidence indicates that the variant is pathogenic, but additional data are needed to prove that conclusively. Therefore, this variant has been classified as Likely Pathogenic.

Literature cited by the submitters: PubMed 16199547; PubMed 9323054; PubMed 19862833.